The following is an entry in ClinVar:

NM_001267550.2(TTN):c.101003T>C (p.Val33668Ala)

Genes: TTN (titin; minus strand), TTN-AS1 (TTN antisense RNA 1; plus strand). Cytogenetic location: 2q31.2.
Variant type: single nucleotide variant.
Coding change: c.101003T>C on transcript NM_001267550.2 (MANE Select); coding-DNA position 101003, T replaced by C.
Protein change: p.Val33668Ala; replaces valine 33668 with alanine.
Molecular consequence: missense variant.
Genome position (GRCh38, 1-based): chr2:178,535,612, A>G on the plus strand (T>C on the coding strand, the complement: TTN is on the minus strand). VCF-style: chr2-178535612-A-G. GRCh37 (hg19) VCF-style: chr2-179400339-A-G.
Other names: c.96080T>C, p.Val32027Ala (NM_001256850.1); c.73808T>C, p.Val24603Ala (NM_003319.4); c.93299T>C, p.Val31100Ala (NM_133378.4); c.74183T>C, p.Val24728Ala (NM_133432.3); c.74384T>C, p.Val24795Ala (NM_133437.4); short protein forms V24603A, V31100A, V32027A, V33668A, V24728A, V24795A.
Identifiers: ClinVar variation 1515076 (VCV001515076.6), dbSNP rs372534712, ClinGen allele CA60960271.

ClinVar aggregate classification (germline): Uncertain significance (1 of 4 stars; one submission).

Conditions:
Dilated cardiomyopathy 1G (CMD1G). Identifiers: Orphanet 154, MedGen C1858763, MONDO:0011400, OMIM 604145.
Autosomal recessive limb-girdle muscular dystrophy type 2J (LGMDR10). Also called: Limb-girdle muscular dystrophy, type 2J; MUSCULAR DYSTROPHY, LIMB-GIRDLE, AUTOSOMAL RECESSIVE 10. Identifiers: Orphanet 140922, MedGen C1837342, MONDO:0012127, OMIM 608807.

Allele frequency attached by ClinVar (database versions not stated): ESP Exome Variant Server 0.00008.

Submission:

Labcorp Genetics (formerly Invitae), Labcorp
Classification: Uncertain significance for Dilated cardiomyopathy 1G; Autosomal recessive limb-girdle muscular dystrophy type 2J. Last evaluated: 2024-12-22. Review status: criteria provided, single submitter. Criteria: Invitae Variant Classification Sherloc (09022015). Collection method: clinical testing. Allele origin: germline.
Comment: This sequence change replaces valine, which is neutral and non-polar, with alanine, which is neutral and non-polar, at codon 33668 of the TTN protein (p.Val33668Ala). This variant is not present in population databases (gnomAD no frequency). This variant has not been reported in the literature in individuals affected with TTN-related conditions. ClinVar contains an entry for this variant (Variation ID: 1515076). Experimental studies and prediction algorithms are not available or were not evaluated, and the functional significance of this variant is currently unknown. This variant is located in the M band of TTN (PMID: 25589632). Non-truncating variants in this region may be relevant for neuromuscular disorders, but have not been definitively shown to cause cardiomyopathy (PMID: 23975875). In summary, the available evidence is currently insufficient to determine the role of this variant in disease. Therefore, it has been classified as a Variant of Uncertain Significance.

Literature cited by the submitters: PubMed 25589632; PubMed 23975875.